The following is an entry in ClinVar:

NM_002439.5(MSH3):c.359-3A>T

Gene: MSH3 (mutS homolog 3; plus strand). Cytogenetic location: 5q14.1.
Variant type: single nucleotide variant.
Coding change: c.359-3A>T on transcript NM_002439.5 (MANE Select); 3 bases into the intron before coding-DNA position 359, A replaced by T.
Molecular consequence: intron variant.
Genome position (GRCh38, 1-based): chr5:80,665,140, A>T. VCF-style: chr5-80665140-A-T. GRCh37 (hg19) VCF-style: chr5-79960959-A-T.
Identifiers: ClinVar variation 2565665 (VCV002565665.2), dbSNP rs202158045, ClinGen allele CA3327594.

ClinVar aggregate classification (germline): Uncertain significance (1 of 4 stars; one submission).

Conditions:
Hereditary cancer-predisposing syndrome. Also called: Neoplastic Syndromes, Hereditary; Hereditary Cancer Syndrome; Hereditary neoplastic syndrome; Tumor predisposition. Identifiers: Orphanet 140162, MedGen C0027672, MeSH D009386, MONDO:0015356.

Allele frequency attached by ClinVar (database versions not stated): gnomAD exomes below 0.00001; 1000 Genomes Project 30x 0.00016.
gnomAD v4.1: 3 of 1,612,960 alleles (0.00019%); highest among the groups gnomAD compares: Non-Finnish European, 0.00025%; no homozygotes.

Submission:

Ambry Genetics
Classification: Uncertain significance for Hereditary cancer-predisposing syndrome. Last evaluated: 2023-05-26. Review status: criteria provided, single submitter. Criteria: Ambry Variant Classification Scheme 2023. Collection method: clinical testing. Allele origin: germline.
Comment: The c.359-3A>T intronic variant results from an A to T substitution 3 nucleotides before coding exon 3 in the MSH3 gene. This nucleotide position is well conserved in available vertebrate species. In silico splice site analysis predicts that this alteration will not have any significant effect on splicing. Since supporting evidence is limited at this time, the clinical significance of this alteration remains unclear.